The following is an entry in ClinVar:

ClinVar aggregate classification (germline): Uncertain significance. Review status: criteria provided, single submitter (1 of 4 stars). 2 submissions from 2 submitters: Uncertain significance (1). 1 of the submissions does not count toward it. Last evaluated 2016-10-21.

Conditions:
Familial dysautonomia. Also called: HSAN III; FD. Identifiers: Orphanet 1764, MedGen C0013364, MONDO:0009131, OMIM 223900. Disease mechanism: loss of function.

Submissions (2):

Labcorp Genetics (formerly Invitae), Labcorp
Classification: Uncertain significance. Last evaluated: 2016-10-21. Review status: criteria provided, single submitter. Criteria: Invitae Variant Classification Sherloc (09022015). Collection method: clinical testing. Allele origin: germline.
Comment: This sequence change replaces leucine with isoleucine at codon 752 of the IKBKAP protein (p.Leu752Ile). The leucine residue is highly conserved and there is a small physicochemical difference between leucine and isoleucine. This variant is not present in population databases (ExAC no frequency) and has not been reported in the literature in individuals with a IKBKAP-related disease. Algorithms developed to predict the effect of missense changes on protein structure and function do not agree on the potential impact of this missense change (SIFT: "Deleterious"; PolyPhen-2: "Probably Damaging"; Align-GVGD: "Class C0"). In summary, this variant is a novel missense change with uncertain impact on protein function. It has been classified as a Variant of Uncertain Significance.

Natera, Inc.
Classification: Uncertain significance for Familial dysautonomia. Last evaluated: 2021-07-12. Review status: no assertion criteria provided. Collection method: clinical testing. Allele origin: germline. Not counted in ClinVar's aggregate classification.

NM_003640.5(ELP1):c.2254C>A (p.Leu752Ile)

Gene: ELP1 (elongator acetyltransferase complex subunit 1; minus strand). Cytogenetic location: 9q31.3.
Variant type: single nucleotide variant.
Coding change: c.2254C>A on transcript NM_003640.5 (MANE Select); coding-DNA position 2254, C replaced by A.
Protein change: p.Leu752Ile; replaces leucine 752 with isoleucine.
Molecular consequence: missense variant.
Genome position (GRCh38, 1-based): chr9:108,898,700, G>T on the plus strand (C>A on the coding strand, the complement: ELP1 is on the minus strand). VCF-style: chr9-108898700-G-T. GRCh37 (hg19) VCF-style: chr9-111660980-G-T.
Other names: c.2254C>A (LRG_251t1); c.1912C>A, p.Leu638Ile (NM_001318360.2); c.1207C>A, p.Leu403Ile (NM_001330749.2); short protein forms L752I, L403I, L638I.
Identifiers: ClinVar variation 412004 (VCV000412004.14), dbSNP rs182287137, ClinGen allele CA16612684.